The following is an entry in ClinVar:

ClinVar aggregate classification (germline): Pathogenic (1 of 4 stars; one submission).

Conditions:
Telangiectasia, hereditary hemorrhagic, type 1 (HHT1). Also called: Osler Weber Rendu syndrome type 1; ENG-Related Hereditary Hemorrhagic Telangiectasia. Identifiers: Orphanet 774, MedGen C4551861, MONDO:0008535, OMIM 187300. Disease mechanism: loss of function.

Submission:

NIHR Bioresource Rare Diseases, University of Cambridge
Classification: Pathogenic for Telangiectasia, hereditary hemorrhagic, type 1. Last evaluated: 2018-01-01. Review status: criteria provided, single submitter. Criteria: ACMG Guidelines, 2015. Collection method: research. Allele origin: unknown. Affected: yes. Observed: 1 variant allele.
Comment: PVS1+PM2+PP4

Literature cited by the submitters: PubMed 32573726.

NM_001114753.3(ENG):c.690-2A>G

Gene: ENG (endoglin; minus strand). Cytogenetic location: 9q34.11.
Variant type: single nucleotide variant.
Coding change: c.690-2A>G on transcript NM_001114753.3 (MANE Select); the canonical splice acceptor site of the intron before coding-DNA position 690, A replaced by G.
Molecular consequence: splice acceptor variant.
Genome position (GRCh38, 1-based): chr9:127,825,359, T>C on the plus strand (A>G on the coding strand, the complement: ENG is on the minus strand). VCF-style: chr9-127825359-T-C. GRCh37 (hg19) VCF-style: chr9-130587638-T-C.
Other names: c.690-2A>G (NM_000118.4, NM_001406715.1); c.144-2A>G (NM_001278138.2).
Identifiers: ClinVar variation 982477 (VCV000982477.3), dbSNP rs1564455970, ClinGen allele CA374983470.